The following is an entry in ClinVar:

NM_207037.2(TCF12):c.826-2A>G

Gene: TCF12 (transcription factor 12; plus strand). Cytogenetic location: 15q21.3.
Variant type: single nucleotide variant.
Coding change: c.826-2A>G on transcript NM_207037.2 (MANE Select); the canonical splice acceptor site of the intron before coding-DNA position 826, A replaced by G.
Molecular consequence: splice acceptor variant.
Genome position (GRCh38, 1-based): chr15:57,232,710, A>G. VCF-style: chr15-57232710-A-G. GRCh37 (hg19) VCF-style: chr15-57524908-A-G.
Other names: NC_000015.9:g.57524908A>G; IVS10AS, A-G, -2; c.826-2A>G (NM_207036.1, NM_001322151.2, NM_001322159.3 and 8 more transcripts); c.652-2A>G (NM_001322156.2, NM_001322158.2); c.169-2A>G (NM_001322154.2); c.862-2A>G (NM_001322164.2); c.316-2A>G (NM_001306219.3, NM_207040.2); c.118-2A>G (NM_001306220.3).
Identifiers: ClinVar variation 1335906 (VCV001335906.4), dbSNP rs2151925569, ClinGen allele CA16040227.

ClinVar aggregate classification (germline): Pathogenic. Review status: no assertion criteria provided (0 of 4 stars). 2 submissions from 2 submitters: Pathogenic (2). Last evaluated 2022-01-26.

Conditions:
TCF12-related craniosynostosis. Also called: Craniosynostosis 3. Identifiers: Orphanet 35098, Orphanet 35099, Orphanet 672979, MedGen C3715051, MONDO:0014128, OMIM 615314.

gnomAD v4.1: 1 of 1,610,450 alleles (0.000062%); highest among the groups gnomAD compares: Non-Finnish European, 0.000085%; no homozygotes.

Submissions (3):

OMIM
Classification: Pathogenic for CRANIOSYNOSTOSIS 3. Last evaluated: 2022-01-26. Review status: no assertion criteria provided. Collection method: literature only. Allele origin: germline.

Clinical Genomics Laboratory, Stanford Medicine
Classification: Pathogenic for TCF12-related craniosynostosis. Last evaluated: 2021-07-02. Review status: no assertion criteria provided. Collection method: clinical testing. Allele origin: germline. Inheritance: Autosomal dominant inheritance. Affected: yes. Observed: 1 heterozygote.
Comment: The c.826-2A>G variant in the TCF12 gene has been previously reported de novo in one individual with bilateral coronal craniosynostosis, left lambdoid craniosynostosis, and dysmorphic features (Paumard-Hernández et al., 2015). This variant was absent from large population databases, including the Genome Aggregation Database. The c.826-2A>G variant alters the canonical acceptor splice site in intron 10, which is predicted to result in abnormal gene splicing. Functional studies of this variant demonstrated the presence of two splicing products – one resulting in a frameshift and one resulting in a deletion of exon 11 (Paumard-Hernández et al., 2015). Computational tools also predict an impact to splicing; however, the accuracy of these computational tools is limited. Heterozygous loss of function is an established mechanism of disease for the TCF12 gene (Sharma et al., 2013; Davis et al., 2020). These data were assessed using the ACMG/AMP variant interpretation guidelines. In summary, there is sufficient evidence to classify the c.826-2A>G variant as pathogenic for autosomal dominant TCF12-related disorder based on the information above. [ACMG evidence codes used: PVS1; PM2; PS2_Supporting; PS3_Supporting]

Dr. Peter K. Rogan Lab, Western University
No classification provided (evidence only). Condition: Squamous cell lung carcinoma. Review status: no classification provided. Collection method: in vitro. Allele origin: not applicable. Functional consequence: retained intron. Not counted in ClinVar's aggregate classification.

Literature cited by the submitters: PubMed 25271085 (cited by OMIM).